The following is an entry in ClinVar:

NM_201384.3(PLEC):c.10381G>A (p.Gly3461Ser)

Gene: PLEC (plectin; minus strand). Cytogenetic location: 8q24.3.
Variant type: single nucleotide variant.
Coding change: c.10381G>A on transcript NM_201384.3 (MANE Select); coding-DNA position 10381, G replaced by A.
Protein change: p.Gly3461Ser; replaces glycine 3461 with serine.
Molecular consequence: missense variant.
Genome position (GRCh38, 1-based): chr8:143,919,440, C>T on the plus strand (G>A on the coding strand, the complement: PLEC is on the minus strand). VCF-style: chr8-143919440-C-T. GRCh37 (hg19) VCF-style: chr8-144993608-C-T.
Other names: c.10462G>A, p.Gly3488Ser (NM_000445.5); c.10339G>A, p.Gly3447Ser (NM_201378.4); c.10315G>A, p.Gly3439Ser (NM_201379.3); c.10792G>A, p.Gly3598Ser (NM_201380.4); c.10285G>A, p.Gly3429Ser (NM_201381.3); c.10381G>A, p.Gly3461Ser (NM_201382.4); c.10393G>A, p.Gly3465Ser (NM_201383.3); short protein forms G3461S, G3465S, G3439S, G3447S, G3429S, G3488S, G3598S.
Identifiers: ClinVar variation 569704 (VCV000569704.10), dbSNP rs376924341, ClinGen allele CA4924670.
Genomic context (GRCh38, chr8:143,919,440, plus strand): 5'-GGCTGTGCACGGGGTCGATGATGCCGCCCGTGGCGATCTGGGCCTCCAGCAGGCGGATGC[C>T]GTGCTGCCGGAGAACCAGGCCCTTCTGCATGGCCTGGAAGAGGGAGATGGTGCTGCCCGA-3'
Protein context (NP_958786.1, residues 3451-3471): MQKGLVLRQH[Gly3461Ser]IRLLEAQIAT

ClinVar aggregate classification (germline): Uncertain significance. Review status: criteria provided, multiple submitters, no conflicts (2 of 4 stars). 2 submissions from 2 submitters: Uncertain significance (2). Last evaluated 2025-07-29.

Conditions:
Epidermolysis bullosa simplex 5C, with pyloric atresia (EBS5C). Also called: PLEC-Related Epidermolysis Bullosa with Pyloric Atresia; Epidermolysis bullosa simplex with pyloric atresia; PLEC1-Related Epidermolysis Bullosa with Pyloric Atresia. Identifiers: Orphanet 158684, MedGen C2677349, MONDO:0012807, OMIM 612138.
Epidermolysis bullosa simplex with nail dystrophy (EBS5D). Identifiers: MedGen C4225309, MONDO:0014661, OMIM 616487.
Epidermolysis bullosa simplex 5B, with muscular dystrophy (EBS5B). Also called: Epidermolysis bullosa simplex with muscular dystrophy; EPIDERMOLYSIS BULLOSA SIMPLEX AND LIMB-GIRDLE MUSCULAR DYSTROPHY. Identifiers: Orphanet 257, MedGen C2931072, MONDO:0009181, OMIM 226670.
Autosomal recessive limb-girdle muscular dystrophy type 2Q (LGMDR17). Also called: MUSCULAR DYSTROPHY, LIMB-GIRDLE, AUTOSOMAL RECESSIVE 17. Identifiers: Orphanet 254361, MedGen C3150989, MONDO:0013390, OMIM 613723.
Epidermolysis bullosa simplex, Ogna type (EBS5A). Also called: Pidermolysis bullosa simplex 5A, Ogna type; EPIDERMOLYSIS BULLOSA SIMPLEX 5A, OGNA TYPE. Identifiers: Orphanet 79401, MedGen C0432317, MONDO:0007555, OMIM 131950.

Allele frequency attached by ClinVar (database versions not stated): TOPMed 0.00002; gnomAD 0.00003 and 0.00004; gnomAD exomes 0.00004; ExAC 0.00005; ESP Exome Variant Server 0.00008.
gnomAD v4.1: 59 of 1,613,178 alleles (0.0037%); highest among the groups gnomAD compares: Non-Finnish European, 0.0042%; 1 homozygote.

Submissions (2):

Labcorp Genetics (formerly Invitae), Labcorp
Classification: Uncertain significance for Autosomal recessive limb-girdle muscular dystrophy type 2Q; Epidermolysis bullosa simplex, Ogna type; Epidermolysis bullosa simplex with nail dystrophy; Epidermolysis bullosa simplex 5C, with pyloric atresia; Epidermolysis bullosa simplex 5B, with muscular dystrophy. Last evaluated: 2025-07-29. Review status: criteria provided, single submitter. Criteria: Invitae Variant Classification Sherloc (09022015). Collection method: clinical testing. Allele origin: germline.
Comment: This sequence change replaces glycine, which is neutral and non-polar, with serine, which is neutral and polar, at codon 3488 of the PLEC protein (p.Gly3488Ser). This variant is present in population databases (rs376924341, gnomAD 0.01%). This variant has not been reported in the literature in individuals affected with PLEC-related conditions. ClinVar contains an entry for this variant (Variation ID: 569704). Invitae Evidence Modeling of protein sequence and biophysical properties (such as structural, functional, and spatial information, amino acid conservation, physicochemical variation, residue mobility, and thermodynamic stability) indicates that this missense variant is not expected to disrupt PLEC protein function with a negative predictive value of 80%. In summary, the available evidence is currently insufficient to determine the role of this variant in disease. Therefore, it has been classified as a Variant of Uncertain Significance.

Revvity Omics, Revvity
Classification: Uncertain significance. Last evaluated: 2025-05-30. Review status: criteria provided, single submitter. Criteria: ACMG Guidelines, 2015. Collection method: clinical testing. Allele origin: germline.